The following is an entry in ClinVar:

NM_177438.3(DICER1):c.4909_4910del (p.Ser1637fs)

Gene: DICER1 (dicer 1, ribonuclease III; minus strand). Cytogenetic location: 14q32.13.
Variant type: Deletion.
Coding change: c.4909_4910del on transcript NM_177438.3 (MANE Select); coding-DNA positions 4909 to 4910, 2 bases deleted (TC; older notation c.4909_4910delTC).
Protein change: p.Ser1637fs; shifts the reading frame from serine 1637.
Molecular consequence: frameshift variant. On other transcripts: non-coding transcript variant (6).
Genome position (GRCh38, 1-based): chr14:95,096,010-95,096,011, GA deleted on the plus strand (TC on the coding strand, the reverse complement: DICER1 is on the minus strand); deleting any 2 consecutive bases within chr14:95,096,010-95,096,012 gives the same sequence; the c. name uses the placement nearest the transcript's 3' end. VCF-style (leftmost placement, unchanged base first): chr14-95096009-CGA-C. GRCh37 (hg19) VCF-style: chr14-95562346-CGA-C.
Other names: c.4909_4910del, p.Ser1637fs (NM_001195573.1, NM_001271282.3, NM_001291628.2 and 12 more transcripts); c.4908_4909delCT, p.Ser1637Glyfs (NM_001395681.1); c.4627_4628del, p.Ser1543fs (NM_001395686.1); c.4504_4505del, p.Ser1502fs (NM_001395687.1, NM_001395688.1, NM_001395689.1 and 2 more transcripts); c.4342_4343del, p.Ser1448fs (NM_001395691.1); c.3226_3227del, p.Ser1076fs (NM_001395697.1); short protein forms S1076fs, S1448fs, S1502fs, S1543fs, S1637fs.
Identifiers: ClinVar variation 3062048 (VCV003062048.1), dbSNP rs2542480965, ClinGen allele CA2740097191.

ClinVar aggregate classification (germline): Likely pathogenic (1 of 4 stars; one submission).

Conditions:
DICER1-related tumor predisposition. Also called: DICER1-related pleuropulmonary blastoma cancer predisposition syndrome; DICER1 syndrome. Identifiers: Orphanet 284343, MedGen C3839822, MONDO:0100216.

Submission:

Illumina Laboratory Services, Illumina
Classification: Likely pathogenic for DICER1-related tumor predisposition. Last evaluated: 2019-04-30. Review status: criteria provided, single submitter. Criteria: ICSLVariantClassificationCriteria RUGD 01 April 2020. Collection method: clinical testing. Allele origin: unknown.
Comment: The DICER1 c.4909_4910delTC p.(Ser1637GlyfsTer14) variant causes a shift in the protein reading frame that is predicted to result in premature termination of the protein. Loss of normal protein function through either protein truncation or nonsense-mediated mRNA decay is expected. To our knowledge, this variant has not been reported in the peer-reviewed literature. This variant is not observed in version 2.1.1 of the Genome Aggregation Database. Based on the available evidence the c.4909_4910delTC p.(Ser1637GlyfsTer14) variant is classified as likely pathogenic for DICER1-related tumor susceptibility syndrome.